The following is an entry in ClinVar:

ClinVar aggregate classification (germline): Uncertain significance (1 of 4 stars; one submission).

gnomAD v4.1: 1 of 1,614,170 alleles (0.000062%); no homozygotes.

Submission:

Labcorp Genetics (formerly Invitae), Labcorp
Classification: Uncertain significance. Last evaluated: 2025-11-11. Review status: criteria provided, single submitter. Criteria: Invitae Variant Classification Sherloc (09022015). Collection method: clinical testing. Allele origin: germline.
Comment: This sequence change replaces serine, which is neutral and polar, with asparagine, which is neutral and polar, at codon 183 of the DDX58 protein (p.Ser183Asn). This variant is not present in population databases (gnomAD no frequency). This variant has not been reported in the literature in individuals affected with DDX58-related conditions. ClinVar contains an entry for this variant (Variation ID: 2984324). An algorithm developed to predict the effect of missense changes on protein structure and function outputs the following: PolyPhen-2: "Benign". The asparagine amino acid residue is found in multiple mammalian species, which suggests that this missense change does not adversely affect protein function. In summary, the available evidence is currently insufficient to determine the role of this variant in disease. Therefore, it has been classified as a Variant of Uncertain Significance.

NM_014314.4(RIGI):c.548G>A (p.Ser183Asn)

Gene: RIGI (RNA sensor RIG-I; minus strand). Cytogenetic location: 9p21.1.
Variant type: single nucleotide variant.
Coding change: c.548G>A on transcript NM_014314.4 (MANE Select); coding-DNA position 548, G replaced by A.
Protein change: p.Ser183Asn; replaces serine 183 with asparagine.
Molecular consequence: missense variant. On other transcripts: intron variant (1).
Genome position (GRCh38, 1-based): chr9:32,492,414, C>T on the plus strand (G>A on the coding strand, the complement: RIGI is on the minus strand). VCF-style: chr9-32492414-C-T. GRCh37 (hg19) VCF-style: chr9-32492412-C-T.
Other names: c.548G>A, p.Ser183Asn (NM_001385907.1, NM_001385909.1); c.107G>A, p.Ser36Asn (NM_001385910.1, NM_001385914.1); c.533G>A, p.Ser178Asn (NM_001385913.1); c.-38-994G>A (NM_001385912.1); short protein forms S178N, S183N, S36N.
Identifiers: ClinVar variation 2984324 (VCV002984324.3), dbSNP rs11795404, ClinGen allele CA373163101.